The following is an entry in ClinVar:

NM_001927.4(DES):c.953A>G (p.Lys318Arg)

Gene: DES (desmin; plus strand). Cytogenetic location: 2q35.
Variant type: single nucleotide variant.
Coding change: c.953A>G on transcript NM_001927.4 (MANE Select); coding-DNA position 953, A replaced by G.
Protein change: p.Lys318Arg; replaces lysine 318 with arginine.
Molecular consequence: missense variant. On other transcripts: intron variant (1).
Genome position (GRCh38, 1-based): chr2:219,420,883, A>G. VCF-style: chr2-219420883-A-G. GRCh37 (hg19) VCF-style: chr2-220285605-A-G.
Other names: c.950A>G, p.Lys317Arg (NM_001382708.1); c.953A>G, p.Lys318Arg (NM_001382710.1, NM_001382711.1, NM_001382712.1); c.683A>G, p.Lys228Arg (NM_001382713.1); c.735+537A>G (NM_001382709.1); short protein forms K228R, K317R, K318R.
Identifiers: ClinVar variation 3759166 (VCV003759166.2).

ClinVar aggregate classification (germline): Uncertain significance (1 of 4 stars; one submission).

Conditions:
Desmin-related myofibrillar myopathy (MFM1). Also called: Desminopathy; Desmin related myopathy (former name); Desmin storage myopathy (former name); MYOFIBRILLAR MYOPATHY WITH ARRHYTHMOGENIC RIGHT VENTRICULAR CARDIOMYOPATHY; DESMIN-RELATED MYOPATHY WITH ARRHYTHMOGENIC RIGHT VENTRICULAR CARDIOMYOPATHY; Myofibrillar myopathy 1. Identifiers: Orphanet 363543, Orphanet 98909, MedGen C1832370, MONDO:0011076, OMIM 601419.

gnomAD v4.1: 1 of 1,613,958 alleles (0.000062%); highest among the groups gnomAD compares: South Asian, 0.0011%; no homozygotes.

Submission:

Labcorp Genetics (formerly Invitae), Labcorp
Classification: Uncertain significance for Desmin-related myofibrillar myopathy. Last evaluated: 2024-11-13. Review status: criteria provided, single submitter. Criteria: Invitae Variant Classification Sherloc (09022015). Collection method: clinical testing. Allele origin: germline.
Comment: This sequence change replaces lysine, which is basic and polar, with arginine, which is basic and polar, at codon 318 of the DES protein (p.Lys318Arg). This variant is present in population databases (no rsID available, gnomAD 0.003%). This variant has not been reported in the literature in individuals affected with DES-related conditions. Invitae Evidence Modeling of protein sequence and biophysical properties (such as structural, functional, and spatial information, amino acid conservation, physicochemical variation, residue mobility, and thermodynamic stability) has been performed for this missense variant. However, the output from this modeling did not meet the statistical confidence thresholds required to predict the impact of this variant on DES protein function. In summary, the available evidence is currently insufficient to determine the role of this variant in disease. Therefore, it has been classified as a Variant of Uncertain Significance.